The following is an entry in ClinVar:

ClinVar aggregate classification (germline): Uncertain significance (1 of 4 stars; one submission).

Submission:

Labcorp Genetics (formerly Invitae), Labcorp
Classification: Uncertain significance. Last evaluated: 2022-11-15. Review status: criteria provided, single submitter. Criteria: Invitae Variant Classification Sherloc (09022015). Collection method: clinical testing. Allele origin: germline.
Comment: This sequence change replaces proline, which is neutral and non-polar, with serine, which is neutral and polar, at codon 2050 of the SZT2 protein (p.Pro2050Ser). In summary, the available evidence is currently insufficient to determine the role of this variant in disease. Therefore, it has been classified as a Variant of Uncertain Significance. Advanced modeling of protein sequence and biophysical properties (such as structural, functional, and spatial information, amino acid conservation, physicochemical variation, residue mobility, and thermodynamic stability) performed at Invitae indicates that this missense variant is not expected to disrupt SZT2 protein function. This variant has not been reported in the literature in individuals affected with SZT2-related conditions. This variant is not present in population databases (gnomAD no frequency).

NM_001365999.1(SZT2):c.6319C>T (p.Pro2107Ser)

Gene: SZT2 (SZT2 subunit of KICSTOR complex; plus strand). Cytogenetic location: 1p34.2.
Variant type: single nucleotide variant.
Coding change: c.6319C>T on transcript NM_001365999.1 (MANE Select); coding-DNA position 6319, C replaced by T.
Protein change: p.Pro2107Ser; replaces proline 2107 with serine.
Molecular consequence: missense variant.
Genome position (GRCh38, 1-based): chr1:43,437,623, C>T. VCF-style: chr1-43437623-C-T. GRCh37 (hg19) VCF-style: chr1-43903294-C-T.
Other names: c.6148C>T, p.Pro2050Ser (NM_015284.4); short protein forms P2107S, P2050S.
Identifiers: ClinVar variation 2017014 (VCV002017014.4), dbSNP rs2545841532, ClinGen allele CA340029176.
Genomic context (GRCh38, chr1:43,437,623, plus strand): 5'-GGCATGTCCAAAGACATGCTGCTCTTTCCCAGGCTCCTAGAGACATCCTGCAGTGACCGG[C>T]CATGGAAAGGGGATGCGCTGCCCCCTTCCCTCGCTCTGTCCCGAAGCCAAGAGCCCATCT-3'
Protein context (NP_001352928.1, residues 2097-2117): RLLETSCSDR[Pro2107Ser]WKGDALPPSL